The following is an entry in ClinVar:

NM_002907.4(RECQL):c.1838A>C (p.Lys613Thr)

Genes: PYROXD1 (pyridine nucleotide-disulphide oxidoreductase domain 1; plus strand), RECQL (RecQ like helicase; minus strand). Cytogenetic location: 12p12.1.
Variant type: single nucleotide variant.
Coding change: c.1838A>C on transcript NM_002907.4 (MANE Select); coding-DNA position 1838, A replaced by C.
Protein change: p.Lys613Thr; replaces lysine 613 with threonine.
Molecular consequence: missense variant. On other transcripts: 3 prime UTR variant (3).
Genome position (GRCh38, 1-based): chr12:21,470,306, T>G on the plus strand (A>C on the coding strand, the complement: RECQL is on the minus strand). VCF-style: chr12-21470306-T-G. GRCh37 (hg19) VCF-style: chr12-21623240-T-G.
Other names: c.1838A>C, p.Lys613Thr (NM_032941.3); c.*1552T>G (NM_001350912.2, NM_001350913.2, NM_024854.5); short protein forms K613T.
Identifiers: ClinVar variation 1781072 (VCV001781072.4), dbSNP rs763815034, ClinGen allele CA6478605.
Genomic context (GRCh38, chr12:21,470,306, plus strand): 5'-TGCTGAAGCATGTTTGCAGCCTTCTTCTGGAAGTTGCCTGAATTTTTTTCCTCCATCTTT[T>G]TATCACCTTGTTCAGAATGACAAGTTTGAGACGATTCAGCCTACAAAAAAAAAAAAAAAA-3'
Protein context (NP_002898.2, residues 603-623): SQTCHSEQGD[Lys613Thr]KMEEKNSGNF

ClinVar aggregate classification (germline): Uncertain significance (1 of 4 stars; one submission).

Allele frequency attached by ClinVar (database versions not stated): 1000 Genomes Project 30x 0.00016.

Submission:

Ambry Genetics
Classification: Uncertain significance. Last evaluated: 2025-09-20. Review status: criteria provided, single submitter. Criteria: Ambry Variant Classification Scheme 2023. Collection method: clinical testing. Allele origin: germline.
Comment: The p.K613T variant (also known as c.1838A>C), located in coding exon 14 of the RECQL gene, results from an A to C substitution at nucleotide position 1838. The lysine at codon 613 is replaced by threonine, an amino acid with similar properties. This amino acid position is conserved. In addition, this alteration is predicted to be tolerated by in silico analysis. Since supporting evidence is limited at this time, the clinical significance of this alteration remains unclear.